The following is an entry in ClinVar:

NM_182961.4(SYNE1):c.12057G>A (p.Ala4019=)

Gene: SYNE1 (spectrin repeat containing nuclear envelope protein 1; minus strand). Cytogenetic location: 6q25.2.
Variant type: single nucleotide variant.
Coding change: c.12057G>A on transcript NM_182961.4 (MANE Select); coding-DNA position 12057, G replaced by A.
Protein change: p.Ala4019=; no amino-acid change (alanine 4019 retained).
Molecular consequence: synonymous variant.
Genome position (GRCh38, 1-based): chr6:152,347,080, C>T on the plus strand (G>A on the coding strand, the complement: SYNE1 is on the minus strand). VCF-style: chr6-152347080-C-T. GRCh37 (hg19) VCF-style: chr6-152668215-C-T.
Other names: p.Ala3948=; c.11844G>A, p.Ala3948= (NM_033071.5).
Identifiers: ClinVar variation 130395 (VCV000130395.54), dbSNP rs144596829, ClinGen allele CA155334.
Genomic context (GRCh38, chr6:152,347,080, plus strand): 5'-TAATTCCTTGTCACTGTGGAATGTTCTGGGGGCACTCACCCTCTGAGCTGTGCTGCAGAT[C>T]GCTGAGTAGCTGTCCTTTGTGCCCTGCAGATGAGCATGCACGTTTTGTTTAAGTTTCGCT-3'
Protein context (NP_892006.3, residues 4009-4029): HLQGTKDSYS[Ala4019=]ICSTAQRMYQ

ClinVar aggregate classification (germline): Benign/Likely benign. Review status: criteria provided, multiple submitters, no conflicts (2 of 4 stars). 10 submissions from 9 submitters: Benign (7); Likely benign (2). 1 of the submissions does not count toward it. Last evaluated 2026-09-01.

Conditions:
Emery-Dreifuss muscular dystrophy 4, autosomal dominant (EDMD4). Also called: EMERY-DREIFUSS MUSCULAR DYSTROPHY 4 WITH VARIABLE FEATURES. Identifiers: Orphanet 261, MedGen C2751807, MONDO:0013071, OMIM 612998.
Autosomal recessive ataxia, Beauce type. Also called: Spinocerebellar ataxia, autosomal recessive 8; ATAXIA, RECESSIVE, OF BEAUCE; SYNE1-Related Autosomal Recessive Cerebellar Ataxia; SYNE1 Deficiency. Identifiers: Orphanet 88644, MedGen C1853116, MONDO:0012549, OMIM 610743.

Allele frequency attached by ClinVar (database versions not stated): 1000 Genomes Project 0.00479; 1000 Genomes Project 30x 0.00484; TOPMed 0.00878; gnomAD exomes 0.00890 and 0.01129; ESP Exome Variant Server 0.00915; gnomAD 0.00916; ExAC 0.00921.
gnomAD v4.1: 17,785 of 1,614,170 alleles (1.1%); highest among the groups gnomAD compares: Non-Finnish European, 1.3%; 126 homozygotes.

Submissions (10):

CeGaT Center for Human Genetics Tuebingen
Classification: Benign. Last evaluated: 2026-09-01. Review status: criteria provided, single submitter. Criteria: CeGaT Center For Human Genetics Tuebingen Variant Classification Criteria Version 2. Collection method: clinical testing. Allele origin: germline. Affected: yes. Observed: 56 variant alleles.
Comment: SYNE1: BP4, BP7, BS1, BS2

Labcorp Genetics (formerly Invitae), Labcorp
Classification: Benign for Emery-Dreifuss muscular dystrophy 4, autosomal dominant; Autosomal recessive ataxia, Beauce type. Last evaluated: 2026-02-01. Review status: criteria provided, single submitter. Criteria: Invitae Variant Classification Sherloc (09022015). Collection method: clinical testing. Allele origin: germline.

Athena Diagnostics
Classification: Benign. Last evaluated: 2019-05-02. Review status: criteria provided, single submitter. Criteria: Athena Diagnostics Criteria. Collection method: clinical testing. Allele origin: germline.

Illumina Laboratory Services, Illumina
Classification: Benign for Autosomal recessive ataxia, Beauce type. Last evaluated: 2018-01-13. Review status: criteria provided, single submitter. Criteria: ICSL Variant Classification Criteria 13 December 2019. Collection method: clinical testing. Allele origin: germline.
Comment: This variant was observed in the ICSL laboratory as part of a predisposition screen in an ostensibly healthy population. It had not been previously curated by ICSL or reported in the Human Gene Mutation Database (HGMD: prior to June 1st, 2018), and was therefore a candidate for classification through an automated scoring system. Utilizing variant allele frequency, disease prevalence and penetrance estimates, and inheritance mode, an automated score was calculated to assess if this variant is too frequent to cause the disease. Based on the score and internal cut-off values, a variant classified as benign is not then subjected to further curation. The score for this variant resulted in a classification of benign for this disease.

Illumina Laboratory Services, Illumina
Classification: Benign for Emery-Dreifuss muscular dystrophy 4, autosomal dominant. Last evaluated: 2018-01-13. Review status: criteria provided, single submitter. Criteria: ICSL Variant Classification Criteria 13 December 2019. Collection method: clinical testing. Allele origin: germline.
Comment: the same text as in the submission from Illumina Laboratory Services, Illumina above.

Mayo Clinic Laboratories, Mayo Clinic
Classification: Benign. Last evaluated: 2017-12-05. Review status: criteria provided, single submitter. Criteria: ACMG Guidelines, 2015. Collection method: clinical testing. Allele origin: germline. Observed: 33 variant alleles.

GeneDx
Classification: Benign. Last evaluated: 2016-02-24. Review status: criteria provided, single submitter. Criteria: GeneDx Variant Classification (06012015). Collection method: clinical testing. Allele origin: germline. Affected: yes.
Comment: This variant is considered likely benign or benign based on one or more of the following criteria: it is a conservative change, it occurs at a poorly conserved position in the protein, it is predicted to be benign by multiple in silico algorithms, and/or has population frequency not consistent with disease.

Breakthrough Genomics
Classification: Likely benign. Review status: criteria provided, single submitter. Criteria: ACMG Guidelines, 2015. Collection method: not provided. Allele origin: germline. Inheritance: Autosomal recessive inheritance. Affected: yes.

PreventionGenetics, part of Exact Sciences
Classification: Likely benign. Review status: criteria provided, single submitter. Criteria: ACMG Guidelines, 2015. Collection method: clinical testing. Allele origin: germline.

Genetic Services Laboratory, University of Chicago
Classification: Likely benign for AllHighlyPenetrant. Review status: no assertion criteria provided. Collection method: clinical testing. Allele origin: germline. Inheritance: Autosomal dominant inheritance. Not counted in ClinVar's aggregate classification.
Comment: Likely benign based on allele frequency in 1000 Genomes Project or ESP global frequency and its presence in a patient with a rare or unrelated disease phenotype. NOT Sanger confirmed.